The following is an entry in ClinVar:

NM_001378454.1(ALMS1):c.6395C>G (p.Thr2132Arg)

Gene: ALMS1 (ALMS1 centrosome and basal body associated protein; plus strand). Cytogenetic location: 2p13.1.
Variant type: single nucleotide variant.
Coding change: c.6395C>G on transcript NM_001378454.1 (MANE Select); coding-DNA position 6395, C replaced by G.
Protein change: p.Thr2132Arg; replaces threonine 2132 with arginine.
Molecular consequence: missense variant.
Genome position (GRCh38, 1-based): chr2:73,452,922, C>G. VCF-style: chr2-73452922-C-G. GRCh37 (hg19) VCF-style: chr2-73680049-C-G.
Other names: c.6398C>G, p.Thr2133Arg (NM_015120.4); short protein forms T2132R, T2133R.
Identifiers: ClinVar variation 2497330 (VCV002497330.2), dbSNP rs944204261, ClinGen allele CA50397732.

ClinVar aggregate classification (germline): Uncertain significance (1 of 4 stars; one submission).

Conditions:
Cardiovascular phenotype. Identifiers: MedGen CN230736.

Allele frequency attached by ClinVar (database versions not stated): gnomAD 0.00001; TOPMed 0.00001.
gnomAD v4.1: 1 of 1,613,654 alleles (0.000062%); highest among the groups gnomAD compares: Non-Finnish European, 0.000085%; no homozygotes.

Submission:

Ambry Genetics
Classification: Uncertain significance for Cardiovascular phenotype. Last evaluated: 2023-01-12. Review status: criteria provided, single submitter. Criteria: Ambry Variant Classification Scheme 2023. Collection method: clinical testing. Allele origin: germline.
Comment: The p.T2133R variant (also known as c.6398C>G), located in coding exon 8 of the ALMS1 gene, results from a C to G substitution at nucleotide position 6398. The threonine at codon 2133 is replaced by arginine, an amino acid with similar properties. This amino acid position is not well conserved in available vertebrate species. In addition, this alteration is predicted to be tolerated by in silico analysis. Since supporting evidence is limited at this time, the clinical significance of this alteration remains unclear.